The following is an entry in ClinVar:

ClinVar aggregate classification (germline): Likely benign. Review status: criteria provided, single submitter (1 of 4 stars). 2 submissions from 2 submitters: Likely benign (1). 1 of the submissions does not count toward it. Last evaluated 2025-12-24.

Conditions:
IKBKB-related disorder. Also called: IKBKB-related condition.
Severe combined immunodeficiency due to IKK2 deficiency. Also called: IMMUNODEFICIENCY 15B; Immunodeficiency 15. Identifiers: Orphanet 397787, MedGen C4747743, MONDO:0014267, OMIM 615592.

Allele frequency attached by ClinVar (database versions not stated): gnomAD 0.00007; gnomAD exomes 0.00002; TOPMed 0.00007; ExAC 0.00015.

Submissions (2):

Labcorp Genetics (formerly Invitae), Labcorp
Classification: Likely benign for Severe combined immunodeficiency due to IKK2 deficiency. Last evaluated: 2025-12-24. Review status: criteria provided, single submitter. Criteria: Invitae Variant Classification Sherloc (09022015). Collection method: clinical testing. Allele origin: germline.

PreventionGenetics, part of Exact Sciences
Classification: Likely benign for IKBKB-related condition. Last evaluated: 2019-08-08. Review status: no assertion criteria provided. Collection method: clinical testing. Allele origin: germline. Not counted in ClinVar's aggregate classification.
Comment: This variant is classified as likely benign based on ACMG/AMP sequence variant interpretation guidelines (Richards et al. 2015 PMID: 25741868, with internal and published modifications).

NM_001556.3(IKBKB):c.568-9T>C

Gene: IKBKB (inhibitor of nuclear factor kappa B kinase subunit beta; plus strand). Cytogenetic location: 8p11.21.
Variant type: single nucleotide variant.
Coding change: c.568-9T>C on transcript NM_001556.3 (MANE Select); 9 bases into the intron before coding-DNA position 568, T replaced by C.
Molecular consequence: intron variant.
Genome position (GRCh38, 1-based): chr8:42,308,892, T>C. VCF-style: chr8-42308892-T-C. GRCh37 (hg19) VCF-style: chr8-42166410-T-C.
Other names: c.568-9T>C (NM_001556.2); c.391-9T>C (NM_001242778.2); c.376-9T>C (NM_001190720.3).
Identifiers: ClinVar variation 2738197 (VCV002738197.5), dbSNP rs776443521, ClinGen allele CA4731730.